The following is an entry in ClinVar:

NM_000552.5(VWF):c.5443G>A (p.Ala1815Thr)

Gene: VWF (von Willebrand factor; minus strand). Cytogenetic location: 12p13.31.
Variant type: single nucleotide variant.
Coding change: c.5443G>A on transcript NM_000552.5 (MANE Select); coding-DNA position 5443, G replaced by A.
Protein change: p.Ala1815Thr; replaces alanine 1815 with threonine.
Molecular consequence: missense variant.
Genome position (GRCh38, 1-based): chr12:6,016,101, C>T on the plus strand (G>A on the coding strand, the complement: VWF is on the minus strand). VCF-style: chr12-6016101-C-T. GRCh37 (hg19) VCF-style: chr12-6125267-C-T.
Other names: short protein forms A1815T.
Identifiers: ClinVar variation 3253261 (VCV003253261.1), dbSNP rs754062706.

ClinVar aggregate classification (germline): Uncertain significance (1 of 4 stars; one submission).

Allele frequency attached by ClinVar (database versions not stated): ExAC 0.00001; gnomAD 0.00001; gnomAD exomes 0.00001.
gnomAD v4.1: 10 of 1,613,994 alleles (0.00062%); highest among the groups gnomAD compares: African/African-American, 0.0027%; no homozygotes.

Submission:

GeneDx
Classification: Uncertain significance. Last evaluated: 2023-12-11. Review status: criteria provided, single submitter. Criteria: GeneDx Variant Classification Process June 2021. Collection method: clinical testing. Allele origin: germline. Affected: yes.
Comment: Not observed at significant frequency in large population cohorts (gnomAD); In silico analysis supports that this missense variant does not alter protein structure/function; Has not been previously published as pathogenic or benign to our knowledge